The following is an entry in ClinVar:

ClinVar aggregate classification (germline): Uncertain significance (1 of 4 stars; one submission).

Conditions:
Biotinidase deficiency. Also called: Biotin deficiency; BTD deficiency; Late-onset biotin-responsive multiple carboxylase deficiency. Identifiers: Orphanet 79241, MedGen C0220754, MONDO:0009665, OMIM 253260.

Submission:

Labcorp Genetics (formerly Invitae), Labcorp
Classification: Uncertain significance for Biotinidase deficiency. Last evaluated: 2022-04-22. Review status: criteria provided, single submitter. Criteria: Invitae Variant Classification Sherloc (09022015). Collection method: clinical testing. Allele origin: germline.
Comment: In summary, the available evidence is currently insufficient to determine the role of this variant in disease. Therefore, it has been classified as a Variant of Uncertain Significance. Algorithms developed to predict the effect of missense changes on protein structure and function (SIFT, PolyPhen-2, Align-GVGD) all suggest that this variant is likely to be tolerated. This variant has not been reported in the literature in individuals affected with BTD-related conditions. This variant is not present in population databases (gnomAD no frequency). This sequence change replaces glutamic acid, which is acidic and polar, with lysine, which is basic and polar, at codon 348 of the BTD protein (p.Glu348Lys).

NM_001370658.1(BTD):c.982G>A (p.Glu328Lys)

Gene: BTD (biotinidase; plus strand). Cytogenetic location: 3p25.1.
Variant type: single nucleotide variant.
Coding change: c.982G>A on transcript NM_001370658.1 (MANE Select); coding-DNA position 982, G replaced by A.
Protein change: p.Glu328Lys; replaces glutamic acid 328 with lysine.
Molecular consequence: missense variant. On other transcripts: intron variant (1).
Genome position (GRCh38, 1-based): chr3:15,644,898, G>A. VCF-style: chr3-15644898-G-A. GRCh37 (hg19) VCF-style: chr3-15686405-G-A.
Other names: c.1042G>A, p.Glu348Lys (NM_000060.4); c.982G>A, p.Glu328Lys (NM_001281723.4, NM_001281724.3, NM_001281725.3 and 18 more transcripts); c.399+2841G>A (NM_001370753.1); short protein forms E328K, E348K.
Identifiers: ClinVar variation 2018201 (VCV002018201.4), dbSNP rs2471516357, ClinGen allele CA351607879.